The following is an entry in ClinVar:

ClinVar aggregate classification (germline): Likely pathogenic (1 of 4 stars; one submission).

Conditions:
Dilated cardiomyopathy 1G (CMD1G). Identifiers: Orphanet 154, MedGen C1858763, MONDO:0011400, OMIM 604145.
Autosomal recessive limb-girdle muscular dystrophy type 2J (LGMDR10). Also called: Limb-girdle muscular dystrophy, type 2J; MUSCULAR DYSTROPHY, LIMB-GIRDLE, AUTOSOMAL RECESSIVE 10. Identifiers: Orphanet 140922, MedGen C1837342, MONDO:0012127, OMIM 608807.

gnomAD v4.1: 2 of 1,613,156 alleles (0.00012%); highest among the groups gnomAD compares: South Asian, 0.0022%; no homozygotes.

Submission:

Labcorp Genetics (formerly Invitae), Labcorp
Classification: Likely pathogenic for Dilated cardiomyopathy 1G; Autosomal recessive limb-girdle muscular dystrophy type 2J. Last evaluated: 2024-12-23. Review status: criteria provided, single submitter. Criteria: Invitae Variant Classification Sherloc (09022015). Collection method: clinical testing. Allele origin: germline.
Comment: This sequence change creates a premature translational stop signal (p.Trp33339*) in the TTN gene. While this is not anticipated to result in nonsense mediated decay, it is expected to create a truncated TTN protein. This variant is not present in population databases (gnomAD no frequency). This variant has not been reported in the literature in individuals affected with TTN-related conditions. This variant is located in the A band of TTN (PMID: 25589632). Truncating variants in this region are significantly overrepresented in patients affected with dilated cardiomyopathy (PMID: 25589632). Truncating variants in this region have also been reported in individuals affected with autosomal recessive centronuclear myopathy (PMID: 23975875). In summary, the currently available evidence indicates that the variant is pathogenic, but additional data are needed to prove that conclusively. Therefore, this variant has been classified as Likely Pathogenic.

Literature cited by the submitters: PubMed 25589632; PubMed 23975875.

NM_001267550.2(TTN):c.100017G>A (p.Trp33339Ter)

Genes: TTN (titin; minus strand), TTN-AS1 (TTN antisense RNA 1; plus strand), LOC126806420 (BRD4-independent group 4 enhancer GRCh37_chr2:179401104-179402303; plus strand). Cytogenetic location: 2q31.2.
Variant type: single nucleotide variant.
Coding change: c.100017G>A on transcript NM_001267550.2 (MANE Select); coding-DNA position 100017, G replaced by A.
Protein change: p.Trp33339Ter; replaces tryptophan 33339 with a stop codon.
Molecular consequence: nonsense.
Genome position (GRCh38, 1-based): chr2:178,537,092, C>T on the plus strand (G>A on the coding strand, the complement: TTN is on the minus strand). VCF-style: chr2-178537092-C-T. GRCh37 (hg19) VCF-style: chr2-179401819-C-T.
Other names: c.95094G>A, p.Trp31698Ter (NM_001256850.1); c.72822G>A, p.Trp24274Ter (NM_003319.4); c.92313G>A, p.Trp30771Ter (NM_133378.4); c.73197G>A, p.Trp24399Ter (NM_133432.3); c.73398G>A, p.Trp24466Ter (NM_133437.4); short protein forms W24274*, W24399*, W24466*, W30771*, W31698*, W33339*.
Identifiers: ClinVar variation 3760141 (VCV003760141.2).